The following is an entry in ClinVar:

NM_001082486.2(ACD):c.-38A>G

Gene: ACD (ACD shelterin complex subunit and telomerase recruitment factor; minus strand). Cytogenetic location: 16q22.1.
Variant type: single nucleotide variant.
Coding change: c.-38A>G on transcript NM_001082486.2 (MANE Select); 38 bases upstream of the start codon, A replaced by G.
Molecular consequence: 5 prime UTR variant.
Genome position (GRCh38, 1-based): chr16:67,660,258, T>C on the plus strand (A>G on the coding strand, the complement: ACD is on the minus strand). VCF-style: chr16-67660258-T-C. GRCh37 (hg19) VCF-style: chr16-67694161-T-C.
Other names: c.-38A>G (NM_001410884.1, NM_022914.3).
Identifiers: ClinVar variation 3479795 (VCV003479795.1).

ClinVar aggregate classification (germline): Uncertain significance (1 of 4 stars; one submission).

Conditions:
Inborn genetic diseases. Identifiers: MedGen C0950123, MeSH D030342.

Submission:

Ambry Genetics
Classification: Uncertain significance for Inborn genetic diseases. Last evaluated: 2024-11-14. Review status: criteria provided, single submitter. Criteria: Ambry Variant Classification Scheme 2023. Collection method: clinical testing. Allele origin: germline.
Comment: The p.N74S variant (also known as c.221A>G), located in coding exon 1 of the ACD gene, results from an A to G substitution at nucleotide position 221. The asparagine at codon 74 is replaced by serine, an amino acid with highly similar properties. This amino acid position is conserved. In addition, this alteration is predicted to be tolerated by in silico analysis. Based on the available evidence, the clinical significance of this variant remains unclear.